The following is an entry in ClinVar:

NM_014423.4(AFF4):c.81C>T (p.Ala27=)

Gene: AFF4 (ALF transcription elongation factor 4; minus strand). Cytogenetic location: 5q31.1.
Variant type: single nucleotide variant.
Coding change: c.81C>T on transcript NM_014423.4 (MANE Select); coding-DNA position 81, C replaced by T.
Protein change: p.Ala27=; no amino-acid change (alanine 27 retained).
Molecular consequence: synonymous variant.
Genome position (GRCh38, 1-based): chr5:132,937,109, G>A on the plus strand (C>T on the coding strand, the complement: AFF4 is on the minus strand). VCF-style: chr5-132937109-G-A. GRCh37 (hg19) VCF-style: chr5-132272801-G-A.
Other names: c.81C>T (NM_014423.3).
Identifiers: ClinVar variation 1590298 (VCV001590298.10), dbSNP rs148617173, ClinGen allele CA3409517.
Genomic context (GRCh38, chr5:132,937,109, plus strand): 5'-CACAGAAGGGCAACTTACAACTTTGTATGGCTCTGCAAAGAGAGGAGAGCTAGGTGGGAA[G>A]GCGTCTTCGCCCTGCTGAATTTCCTGATTCCGCCTTTCCCGTTCTTTCATACGCAGCACA-3'
Protein context (NP_055238.1, residues 17-37): RNQEIQQGED[Ala27=]FPPSSPLFAE

ClinVar aggregate classification (germline): Likely benign. Review status: criteria provided, single submitter (1 of 4 stars). 2 submissions from 2 submitters: Likely benign (1). 1 of the submissions does not count toward it. Last evaluated 2025-04-10.

Conditions:
AFF4-related disorder. Also called: AFF4-related condition.
Cognitive impairment - coarse facies - heart defects - obesity - pulmonary involvement - short stature - skeletal dysplasia syndrome. Also called: COGNITIVE IMPAIRMENT, COARSE FACIES, HEART DEFECTS, OBESITY, PULMONARY INVOLVEMENT, SHORT STATURE, AND SKELETAL DYSPLASIA; Chops syndrome; AFF4-Related CHOPS Syndrome. Identifiers: Orphanet 444077, MedGen C4085597, MONDO:0014609, OMIM 616368.

Allele frequency attached by ClinVar (database versions not stated): ExAC 0.00002; gnomAD 0.00003 and 0.00004; gnomAD exomes 0.00003 and 0.00009; TOPMed 0.00004; ESP Exome Variant Server 0.00008.
gnomAD v4.1: 142 of 1,613,700 alleles (0.0088%); highest among the groups gnomAD compares: Non-Finnish European, 0.011%; no homozygotes.

Submissions (2):

Labcorp Genetics (formerly Invitae), Labcorp
Classification: Likely benign for Cognitive impairment - coarse facies - heart defects - obesity - pulmonary involvement - short stature - skeletal dysplasia syndrome. Last evaluated: 2025-04-10. Review status: criteria provided, single submitter. Criteria: Invitae Variant Classification Sherloc (09022015). Collection method: clinical testing. Allele origin: germline.

PreventionGenetics, part of Exact Sciences
Classification: Likely benign for AFF4-related condition. Last evaluated: 2022-05-20. Review status: no assertion criteria provided. Collection method: clinical testing. Allele origin: germline. Not counted in ClinVar's aggregate classification.
Comment: This variant is classified as likely benign based on ACMG/AMP sequence variant interpretation guidelines (Richards et al. 2015 PMID: 25741868, with internal and published modifications).